The following is an entry in ClinVar:

NM_012210.4(TRIM32):c.389C>T (p.Pro130Leu)

Genes: ASTN2 (astrotactin 2; minus strand), TRIM32 (tripartite motif containing 32; plus strand). Cytogenetic location: 9q33.1.
Variant type: single nucleotide variant.
Coding change: c.389C>T on transcript NM_012210.4 (MANE Select); coding-DNA position 389, C replaced by T.
Protein change: p.Pro130Leu; replaces proline 130 with leucine.
Molecular consequence: missense variant. On other transcripts: intron variant (3).
Genome position (GRCh38, 1-based): chr9:116,698,131, C>T. VCF-style: chr9-116698131-C-T. GRCh37 (hg19) VCF-style: chr9-119460410-C-T.
Other names: c.389C>T, p.Pro130Leu (NM_001099679.2, NM_001379048.1, NM_001379049.1 and 1 more transcripts); c.2653+27640G>A (NM_014010.5); c.2794+27640G>A (NM_001365069.1); c.2806+27640G>A (NM_001365068.1); short protein forms P130L.
Identifiers: ClinVar variation 2000971 (VCV002000971.4), dbSNP rs2491059166, ClinGen allele CA374648348.

ClinVar aggregate classification (germline): Uncertain significance (1 of 4 stars; one submission).

Conditions:
Bardet-Biedl syndrome (BBS). Identifiers: Orphanet 110, MedGen C0752166, MONDO:0015229.

Allele frequency attached by ClinVar (database versions not stated): gnomAD exomes below 0.00001.
gnomAD v4.1: 5 of 1,614,102 alleles (0.00031%); highest among the groups gnomAD compares: Non-Finnish European, 0.00042%; no homozygotes.

Submission:

Labcorp Genetics (formerly Invitae), Labcorp
Classification: Uncertain significance for Bardet-Biedl syndrome. Last evaluated: 2022-07-30. Review status: criteria provided, single submitter. Criteria: Invitae Variant Classification Sherloc (09022015). Collection method: clinical testing. Allele origin: germline.
Comment: In summary, the available evidence is currently insufficient to determine the role of this variant in disease. Therefore, it has been classified as a Variant of Uncertain Significance. This variant disrupts the p.Pro130 amino acid residue in TRIM32. Other variant(s) that disrupt this residue have been determined to be pathogenic (PMID: 16606853). This suggests that this residue is clinically significant, and that variants that disrupt this residue are likely to be disease-causing. Algorithms developed to predict the effect of missense changes on protein structure and function output the following: SIFT: "Tolerated"; PolyPhen-2: "Benign"; Align-GVGD: "Class C0". The leucine amino acid residue is found in multiple mammalian species, which suggests that this missense change does not adversely affect protein function. This variant has not been reported in the literature in individuals affected with TRIM32-related conditions. This variant is not present in population databases (gnomAD no frequency). This sequence change replaces proline, which is neutral and non-polar, with leucine, which is neutral and non-polar, at codon 130 of the TRIM32 protein (p.Pro130Leu).

Literature cited by the submitters: PubMed 16606853.